The following is an entry in ClinVar:

NM_000391.4(TPP1):c.992C>A (p.Ser331Tyr)

Gene: TPP1 (tripeptidyl peptidase 1; minus strand). Cytogenetic location: 11p15.4.
Variant type: single nucleotide variant.
Coding change: c.992C>A on transcript NM_000391.4 (MANE Select); coding-DNA position 992, C replaced by A.
Protein change: p.Ser331Tyr; replaces serine 331 with tyrosine.
Molecular consequence: missense variant.
Genome position (GRCh38, 1-based): chr11:6,616,398, G>T on the plus strand (C>A on the coding strand, the complement: TPP1 is on the minus strand). VCF-style: chr11-6616398-G-T. GRCh37 (hg19) VCF-style: chr11-6637629-G-T.
Other names: short protein forms S331Y.
Identifiers: ClinVar variation 1000278 (VCV001000278.9), dbSNP rs755386210, ClinGen allele CA379474232.

ClinVar aggregate classification (germline): Uncertain significance. Review status: criteria provided, single submitter (1 of 4 stars). 2 submissions from 2 submitters: Uncertain significance (1). 1 of the submissions does not count toward it. Last evaluated 2024-10-30.

Conditions:
Neuronal ceroid lipofuscinosis 2. Also called: TPP1-Related Neuronal Ceroid-Lipofuscinosis; JANSKY-BIELSCHOWSKY DISEASE NEURONAL CEROID LIPOFUSCINOSIS, LATE INFANTILE. Identifiers: Orphanet 168491, Orphanet 228349, Orphanet 79264, MedGen C1876161, MONDO:0008769, OMIM 204500.

gnomAD v4.1: 3 of 1,613,998 alleles (0.00019%); highest among the groups gnomAD compares: South Asian, 0.0011%; no homozygotes.

Submissions (2):

Labcorp Genetics (formerly Invitae), Labcorp
Classification: Uncertain significance. Last evaluated: 2024-10-30. Review status: criteria provided, single submitter. Criteria: Invitae Variant Classification Sherloc (09022015). Collection method: clinical testing. Allele origin: germline.
Comment: This sequence change replaces serine, which is neutral and polar, with tyrosine, which is neutral and polar, at codon 331 of the TPP1 protein (p.Ser331Tyr). This variant is not present in population databases (gnomAD no frequency). This variant has not been reported in the literature in individuals affected with TPP1-related conditions. ClinVar contains an entry for this variant (Variation ID: 1000278). Invitae Evidence Modeling of protein sequence and biophysical properties (such as structural, functional, and spatial information, amino acid conservation, physicochemical variation, residue mobility, and thermodynamic stability) indicates that this missense variant is expected to disrupt TPP1 protein function with a positive predictive value of 95%. In summary, the available evidence is currently insufficient to determine the role of this variant in disease. Therefore, it has been classified as a Variant of Uncertain Significance.

Natera, Inc.
Classification: Uncertain significance for Neuronal ceroid lipofuscinosis 2. Last evaluated: 2019-11-08. Review status: no assertion criteria provided. Collection method: clinical testing. Allele origin: germline. Not counted in ClinVar's aggregate classification.